The following is an entry in ClinVar:

NM_019892.6(INPP5E):c.1767C>T (p.Gly589=)

Gene: INPP5E (inositol polyphosphate-5-phosphatase E; minus strand). Cytogenetic location: 9q34.3.
Variant type: single nucleotide variant.
Coding change: c.1767C>T on transcript NM_019892.6 (MANE Select); coding-DNA position 1767, C replaced by T.
Protein change: p.Gly589=; no amino-acid change (glycine 589 retained).
Molecular consequence: synonymous variant.
Genome position (GRCh38, 1-based): chr9:136,430,312, G>A on the plus strand (C>T on the coding strand, the complement: INPP5E is on the minus strand). VCF-style: chr9-136430312-G-A. GRCh37 (hg19) VCF-style: chr9-139324764-G-A.
Other names: c.1764C>T, p.Gly588= (NM_001318502.2); c.1767C>T (NM_019892.5).
Identifiers: ClinVar variation 1454350 (VCV001454350.9), dbSNP rs1835669405, ClinGen allele CA467720047.
Genomic context (GRCh38, chr9:136,430,312, plus strand): 5'-GGAAGGTGAGCGGGAGAACACTGACTTGTCTCGCCCCGGCCTCACTTTCACCCGGAAGAG[G>A]CCATACACAGGGCGGTGGTCGGACGTCTTGATCCCGGGGCAGGAAGAGTAGCTCACAGGA-3'
Protein context (NP_063945.2, residues 579-599): IKTSDHRPVY[Gly589=]LFRVKVRPGR

ClinVar aggregate classification (germline): Likely benign. Review status: criteria provided, multiple submitters, no conflicts (2 of 4 stars). 2 submissions from 2 submitters: Likely benign (2). Last evaluated 2025-10-28.

Conditions:
INPP5E-related disorder. Also called: INPP5E-related condition.
Joubert syndrome. Also called: JOUBERT-BOLTSHAUSER SYNDROME; Familial aplasia of the vermis. Identifiers: Orphanet 475, MedGen C5979921, MONDO:0018772.

Allele frequency attached by ClinVar (database versions not stated): gnomAD exomes 0.00001.

Submissions (2):

PreventionGenetics, part of Exact Sciences
Classification: Likely benign for INPP5E-related condition. Last evaluated: 2025-10-28. Review status: criteria provided, single submitter. Criteria: ACMG Guidelines, 2015. Collection method: clinical testing. Allele origin: germline.
Comment: This variant is classified as likely benign based on ACMG/AMP sequence variant interpretation guidelines (Richards et al. 2015 PMID: 25741868, with internal and published modifications).

Labcorp Genetics (formerly Invitae), Labcorp
Classification: Likely benign for Joubert syndrome. Last evaluated: 2024-06-03. Review status: criteria provided, single submitter. Criteria: Invitae Variant Classification Sherloc (09022015). Collection method: clinical testing. Allele origin: germline.